The following is an entry in ClinVar:

ClinVar aggregate classification (germline): Uncertain significance (1 of 4 stars; one submission).

Submission:

CeGaT Center for Human Genetics Tuebingen
Classification: Uncertain significance. Last evaluated: 2025-06-01. Review status: criteria provided, single submitter. Criteria: CeGaT Center For Human Genetics Tuebingen Variant Classification Criteria Version 2. Collection method: clinical testing. Allele origin: germline. Affected: yes. Observed: 1 variant allele.
Comment: ATM: PM2

NM_000051.4(ATM):c.5234C>T (p.Thr1745Ile)

Gene: ATM (ATM serine/threonine kinase; plus strand). Cytogenetic location: 11q22.3.
Variant type: single nucleotide variant.
Coding change: c.5234C>T on transcript NM_000051.4 (MANE Select); coding-DNA position 5234, C replaced by T.
Protein change: p.Thr1745Ile; replaces threonine 1745 with isoleucine.
Molecular consequence: missense variant.
Genome position (GRCh38, 1-based): chr11:108,301,704, C>T. VCF-style: chr11-108301704-C-T. GRCh37 (hg19) VCF-style: chr11-108172431-C-T.
Other names: c.5234C>T, p.Thr1745Ile (NM_001351834.2); short protein forms T1745I.
Identifiers: ClinVar variation 3905497 (VCV003905497.10).
Genomic context (GRCh38, chr11:108,301,704, plus strand): 5'-TCAGTGTCAAAGTTCGATCAGCAGCTGTTACCTGTTTGAAAAACATTTTAGCCACAAAGA[C>T]TGGACATAGTTTCTGGGAGATTTATAAGATGACAACAGATCCAATGCTGGCCTATCTACA-3'
Protein context (NP_000042.3, residues 1735-1755): TCLKNILATK[Thr1745Ile]GHSFWEIYKM